The following is an entry in ClinVar:

NM_001035.3(RYR2):c.5611G>T (p.Asp1871Tyr)

Gene: RYR2 (ryanodine receptor 2; plus strand). Cytogenetic location: 1q43.
Variant type: single nucleotide variant.
Coding change: c.5611G>T on transcript NM_001035.3 (MANE Select); coding-DNA position 5611, G replaced by T.
Protein change: p.Asp1871Tyr; replaces aspartic acid 1871 with tyrosine.
Molecular consequence: missense variant.
Genome position (GRCh38, 1-based): chr1:237,614,739, G>T. VCF-style: chr1-237614739-G-T. GRCh37 (hg19) VCF-style: chr1-237778039-G-T.
Other names: c.5611G>T (NM_001035.2); short protein forms D1871Y.
Identifiers: ClinVar variation 927368 (VCV000927368.9), dbSNP rs1678273557, ClinGen allele CA345405452.

ClinVar aggregate classification (germline): Uncertain significance. Review status: criteria provided, multiple submitters, no conflicts (2 of 4 stars). 4 submissions from 4 submitters: Uncertain significance (4). Last evaluated 2025-10-31.

Conditions:
Cardiomyopathy (CMYO). Also called: Cardiomyopathies. Identifiers: Orphanet 167848, MedGen C0878544, MONDO:0004994, HP:0001638. Inheritance: Various modes of inheritance.
Cardiovascular phenotype. Identifiers: MedGen CN230736.
Catecholaminergic polymorphic ventricular tachycardia (CVPT). Also called: Catecholamine-induced polymorphic ventricular tachycardia. Identifiers: Orphanet 3286, MedGen C5574922, MONDO:0017990.
Catecholaminergic polymorphic ventricular tachycardia 1. Also called: VENTRICULAR TACHYCARDIA, CATECHOLAMINERGIC POLYMORPHIC, 1, WITH OR WITHOUT ATRIAL DYSFUNCTION AND/OR DILATED CARDIOMYOPATHY; VENTRICULAR TACHYCARDIA, STRESS-INDUCED POLYMORPHIC 1; RYR2-Related Catecholaminergic Polymorphic Ventricular Tachycardia. Identifiers: Orphanet 3286, MedGen C1631597, MONDO:0011484, OMIM 604772.

Submissions (4):

Ambry Genetics
Classification: Uncertain significance for Cardiovascular phenotype. Last evaluated: 2025-10-31. Review status: criteria provided, single submitter. Criteria: Ambry Variant Classification Scheme 2023. Collection method: clinical testing. Allele origin: germline.
Comment: The p.D1871Y variant (also known as c.5611G>T), located in coding exon 37 of the RYR2 gene, results from a G to T substitution at nucleotide position 5611. The aspartic acid at codon 1871 is replaced by tyrosine, an amino acid with highly dissimilar properties. This amino acid position is poorly conserved in available vertebrate species. In addition, this alteration is predicted to be tolerated by in silico analysis. Based on the available evidence, the clinical significance of this variant remains unclear.

Labcorp Genetics (formerly Invitae), Labcorp
Classification: Uncertain significance for Catecholaminergic polymorphic ventricular tachycardia 1. Last evaluated: 2025-06-15. Review status: criteria provided, single submitter. Criteria: Invitae Variant Classification Sherloc (09022015). Collection method: clinical testing. Allele origin: germline.
Comment: This sequence change replaces aspartic acid, which is acidic and polar, with tyrosine, which is neutral and polar, at codon 1871 of the RYR2 protein (p.Asp1871Tyr). This variant is not present in population databases (gnomAD no frequency). This variant has not been reported in the literature in individuals affected with RYR2-related conditions. ClinVar contains an entry for this variant (Variation ID: 927368). Invitae Evidence Modeling of protein sequence and biophysical properties (such as structural, functional, and spatial information, amino acid conservation, physicochemical variation, residue mobility, and thermodynamic stability) indicates that this missense variant is not expected to disrupt RYR2 protein function with a negative predictive value of 95%. In summary, the available evidence is currently insufficient to determine the role of this variant in disease. Therefore, it has been classified as a Variant of Uncertain Significance.

All of Us Research Program, National Institutes of Health
Classification: Uncertain significance for Catecholaminergic polymorphic ventricular tachycardia. Last evaluated: 2024-03-24. Review status: criteria provided, single submitter. Criteria: ACMG Guidelines, 2015. Collection method: clinical testing. Allele origin: germline. Inheritance: Autosomal dominant inheritance. Observed: 1 variant allele, 1 heterozygote.
Comment: This missense variant replaces aspartic acid with tyrosine at codon 1871 of the RYR2 protein. Computational prediction tool suggests that this variant may not impact protein structure and function (internally defined REVEL score threshold <=0.5, PMID: 27666373). Splice site prediction tools suggest that this variant may not impact RNA splicing. To our knowledge, functional studies have not been performed for this variant. This variant has not been reported in individuals affected with cardiovascular disorders in the literature. This variant has not been identified in the general population by the Genome Aggregation Database (gnomAD). The available evidence is insufficient to determine the role of this variant in disease conclusively. Therefore, this variant is classified as a Variant of Uncertain Significance.

This study involves interpretation of variants in research participants for the purpose of population health screening. Participant phenotype was not available at the time of variant classification. Additional details can be found in publication PMID: 35346344, PMCID: PMC8962531

Color Diagnostics, LLC DBA Color Health
Classification: Uncertain significance for Cardiomyopathy. Last evaluated: 2024-03-06. Review status: criteria provided, single submitter. Criteria: ACMG Guidelines, 2015. Collection method: clinical testing. Allele origin: germline.
Comment: This missense variant replaces aspartic acid with tyrosine at codon 1871 of the RYR2 protein. Computational prediction tool suggests that this variant may not impact protein structure and function. To our knowledge, functional studies have not been reported for this variant. This variant has not been reported in individuals affected with cardiovascular disorders in the literature. This variant has not been identified in the general population by the Genome Aggregation Database (gnomAD). The available evidence is insufficient to determine the role of this variant in disease conclusively. Therefore, this variant is classified as a Variant of Uncertain Significance.